The following is an entry in ClinVar:

ClinVar aggregate classification (germline): Uncertain significance (1 of 4 stars; one submission).

Conditions:
Inborn genetic diseases. Identifiers: MedGen C0950123, MeSH D030342.

Submission:

Ambry Genetics
Classification: Uncertain significance for Inborn genetic diseases. Last evaluated: 2023-01-08. Review status: criteria provided, single submitter. Criteria: Ambry Variant Classification Scheme 2023. Collection method: clinical testing. Allele origin: germline.
Comment: The p.M1355R variant (also known as c.4064T>G), located in coding exon 29 of the LRRK2 gene, results from a T to G substitution at nucleotide position 4064. The methionine at codon 1355 is replaced by arginine, an amino acid with similar properties. This amino acid position is conserved. In addition, the in silico prediction for this alteration is inconclusive. Since supporting evidence is limited at this time, the clinical significance of this alteration remains unclear.

NM_198578.4(LRRK2):c.4064T>G (p.Met1355Arg)

Gene: LRRK2 (leucine rich repeat kinase 2; plus strand). Cytogenetic location: 12q12.
Variant type: single nucleotide variant.
Coding change: c.4064T>G on transcript NM_198578.4 (MANE Select); coding-DNA position 4064, T replaced by G.
Protein change: p.Met1355Arg; replaces methionine 1355 with arginine.
Molecular consequence: missense variant.
Genome position (GRCh38, 1-based): chr12:40,308,571, T>G. VCF-style: chr12-40308571-T-G. GRCh37 (hg19) VCF-style: chr12-40702373-T-G.
Other names: short protein forms M1355R.
Identifiers: ClinVar variation 2453078 (VCV002453078.2), dbSNP rs898129085, ClinGen allele CA384417671.